The following is an entry in ClinVar:

ClinVar aggregate classification (germline): Uncertain significance (1 of 4 stars; one submission).

Submission:

Ambry Genetics
Classification: Uncertain significance. Last evaluated: 2026-08-08. Review status: criteria provided, single submitter. Criteria: Ambry Variant Classification Scheme 2023. Collection method: clinical testing. Allele origin: germline.
Comment: The p.D1130V variant (also known as c.3389A>T), located in coding exon 3 of the MLH3 gene, results from an A to T substitution at nucleotide position 3389. The aspartic acid at codon 1130 is replaced by valine, an amino acid with highly dissimilar properties. This amino acid position is conserved. In addition, this alteration is predicted to be tolerated by in silico analysis. Based on the available evidence, the clinical significance of this variant remains unclear.

NM_001040108.2(MLH3):c.3389A>T (p.Asp1130Val)

Gene: MLH3 (mutL homolog 3; minus strand). Cytogenetic location: 14q24.3.
Variant type: single nucleotide variant.
Coding change: c.3389A>T on transcript NM_001040108.2 (MANE Select); coding-DNA position 3389, A replaced by T.
Protein change: p.Asp1130Val; replaces aspartic acid 1130 with valine.
Molecular consequence: missense variant.
Genome position (GRCh38, 1-based): chr14:75,041,691, T>A on the plus strand (A>T on the coding strand, the complement: MLH3 is on the minus strand). VCF-style: chr14-75041691-T-A. GRCh37 (hg19) VCF-style: chr14-75508394-T-A.
Other names: c.3389A>T, p.Asp1130Val (NM_014381.3); short protein forms D1130V.
Identifiers: ClinVar variation 5024620 (VCV005024620.1).
Genomic context (GRCh38, chr14:75,041,691, plus strand): 5'-AATACTGGATTGTCCCATTCTGAGAACAAAGACTGAAGCGATTCGCTACTAACAGTATCA[T>A]CCACAGTATCTAGGGCAAAAGGGAACAGGTAAAGTTGGCATCCAGAACCACAGGGAAAGG-3'
Protein context (NP_001035197.1, residues 1120-1140): VMRQDNRDTV[Asp1130Val]DTVSSESLQS